The following is an entry in ClinVar:

ClinVar aggregate classification (germline): Likely benign (1 of 4 stars; one submission).

Allele frequency attached by ClinVar (database versions not stated): gnomAD exomes 0.00016; ExAC 0.00042; 1000 Genomes Project 30x 0.00125; ESP Exome Variant Server 0.00125; 1000 Genomes Project 0.00140; gnomAD 0.00174; TOPMed 0.00198.
gnomAD v4.1: 500 of 1,613,802 alleles (0.031%); highest among the groups gnomAD compares: African/African-American, 0.59%; 4 homozygotes.

Submission:

CeGaT Center for Human Genetics Tuebingen
Classification: Likely benign. Last evaluated: 2023-01-01. Review status: criteria provided, single submitter. Criteria: CeGaT Center For Human Genetics Tuebingen Variant Classification Criteria Version 2. Collection method: clinical testing. Allele origin: germline. Affected: yes. Observed: 1 variant allele.
Comment: DENND5B: PP2, BS2

NM_144973.4(DENND5B):c.2908G>A (p.Val970Ile)

Gene: DENND5B (DENN domain containing 5B; minus strand). Cytogenetic location: 12p11.21.
Variant type: single nucleotide variant.
Coding change: c.2908G>A on transcript NM_144973.4 (MANE Select); coding-DNA position 2908, G replaced by A.
Protein change: p.Val970Ile; replaces valine 970 with isoleucine.
Molecular consequence: missense variant.
Genome position (GRCh38, 1-based): chr12:31,402,539, C>T on the plus strand (G>A on the coding strand, the complement: DENND5B is on the minus strand). VCF-style: chr12-31402539-C-T. GRCh37 (hg19) VCF-style: chr12-31555473-C-T.
Other names: c.3013G>A, p.Val1005Ile (NM_001308339.2); short protein forms V1005I, V970I.
Identifiers: ClinVar variation 2642827 (VCV002642827.24), dbSNP rs142356613, ClinGen allele CA6503566.
Genomic context (GRCh38, chr12:31,402,539, plus strand): 5'-AGGTATTAGCTGAACCTACCTCAAAGGTCATTTCGAGGAGGTTTTTGGGAATCTGCATTA[C>T]TCCTGTGTCTCCCAGCTCTCCTGATACACAGATCCAAGGGTTTGATGTGATTATTGCATT-3'
Protein context (NP_659410.3, residues 960-980): CVSGELGDTG[Val970Ile]MQIPKNLLEM